The following is an entry in ClinVar:

NM_006516.4(SLC2A1):c.294_310del (p.Met98fs)

Gene: SLC2A1 (solute carrier family 2 member 1; minus strand). Cytogenetic location: 1p34.2.
Variant type: Deletion.
Coding change: c.294_310del on transcript NM_006516.4 (MANE Select); coding-DNA positions 294 to 310, 17 bases deleted (GATGAACCTGCTGGCCT).
Protein change: p.Met98fs; shifts the reading frame from methionine 98.
Molecular consequence: frameshift variant.
Genome position (GRCh38, 1-based): chr1:42,930,832-42,930,848, AGGCCAGCAGGTTCATC deleted on the plus strand (GATGAACCTGCTGGCCT on the coding strand, the reverse complement: SLC2A1 is on the minus strand); deleting any 17 consecutive bases within chr1:42,930,832-42,930,849 gives the same sequence; the c. name uses the placement nearest the transcript's 3' end. VCF-style (leftmost placement, unchanged base first): chr1-42930831-AAGGCCAGCAGGTTCATC-A. GRCh37 (hg19) VCF-style: chr1-43396502-AAGGCCAGCAGGTTCATC-A.
Other names: short protein forms M98fs.
Identifiers: ClinVar variation 1068834 (VCV001068834.7), dbSNP rs2124450420, ClinGen allele CA2499214725.

ClinVar aggregate classification (germline): Pathogenic (1 of 4 stars; one submission).

Conditions:
GLUT1 deficiency syndrome 1, autosomal recessive. Identifiers: MedGen C3149117.

Submission:

Labcorp Genetics (formerly Invitae), Labcorp
Classification: Pathogenic for GLUT1 deficiency syndrome 1, autosomal recessive. Last evaluated: 2022-07-26. Review status: criteria provided, single submitter. Criteria: Invitae Variant Classification Sherloc (09022015). Collection method: clinical testing. Allele origin: germline.
Comment: For these reasons, this variant has been classified as Pathogenic. ClinVar contains an entry for this variant (Variation ID: 1068834). This variant has not been reported in the literature in individuals affected with SLC2A1-related conditions. This variant is not present in population databases (gnomAD no frequency). This sequence change creates a premature translational stop signal (p.Met98Ilefs*17) in the SLC2A1 gene. It is expected to result in an absent or disrupted protein product. Loss-of-function variants in SLC2A1 are known to be pathogenic (PMID: 21832227, 26193382).

Literature cited by the submitters: PubMed 21832227; PubMed 26193382.